The following is an entry in ClinVar:

NM_198578.4(LRRK2):c.29A>C (p.Glu10Ala)

Gene: LRRK2 (leucine rich repeat kinase 2; plus strand). Cytogenetic location: 12q12.
Variant type: single nucleotide variant.
Coding change: c.29A>C on transcript NM_198578.4 (MANE Select); coding-DNA position 29, A replaced by C.
Protein change: p.Glu10Ala; replaces glutamic acid 10 with alanine.
Molecular consequence: missense variant.
Genome position (GRCh38, 1-based): chr12:40,225,160, A>C. VCF-style: chr12-40225160-A-C. GRCh37 (hg19) VCF-style: chr12-40618962-A-C.
Other names: short protein forms E10A.
Identifiers: ClinVar variation 1798628 (VCV001798628.2), dbSNP rs759670012, ClinGen allele CA6512964.

ClinVar aggregate classification (germline): Uncertain significance (1 of 4 stars; one submission).

Conditions:
Inborn genetic diseases. Identifiers: MedGen C0950123, MeSH D030342.

gnomAD v4.1: 2 of 1,614,072 alleles (0.00012%); highest among the groups gnomAD compares: Admixed American, 0.0033%; no homozygotes.

Submission:

Ambry Genetics
Classification: Uncertain significance for Inborn genetic diseases. Last evaluated: 2021-09-30. Review status: criteria provided, single submitter. Criteria: Ambry Variant Classification Scheme 2023. Collection method: clinical testing. Allele origin: germline.
Comment: The p.E10A variant (also known as c.29A>C), located in coding exon 1 of the LRRK2 gene, results from an A to C substitution at nucleotide position 29. The glutamic acid at codon 10 is replaced by alanine, an amino acid with dissimilar properties. This amino acid position is conserved. In addition, this alteration is predicted to be tolerated by in silico analysis. Since supporting evidence is limited at this time, the clinical significance of this alteration remains unclear.